The following is an entry in ClinVar:

ClinVar aggregate classification (germline): Uncertain significance. Review status: criteria provided, multiple submitters, no conflicts (2 of 4 stars). 3 submissions from 3 submitters: Uncertain significance (2). 1 of the submissions does not count toward it. Last evaluated 2024-12-02.

Conditions:
SETD5-related disorder. Also called: SETD5-related disorders; SETD5-related condition.

Allele frequency attached by ClinVar (database versions not stated): ExAC 0.00001; gnomAD exomes below 0.00001.

Submissions (3):

Labcorp Genetics (formerly Invitae), Labcorp
Classification: Uncertain significance. Last evaluated: 2024-12-02. Review status: criteria provided, single submitter. Criteria: Invitae Variant Classification Sherloc (09022015). Collection method: clinical testing. Allele origin: germline.
Comment: This sequence change replaces methionine, which is neutral and non-polar, with valine, which is neutral and non-polar, at codon 1167 of the SETD5 protein (p.Met1167Val). This variant is present in population databases (rs776920831, gnomAD 0.003%). This variant has not been reported in the literature in individuals affected with SETD5-related conditions. ClinVar contains an entry for this variant (Variation ID: 1314475). An algorithm developed to predict the effect of missense changes on protein structure and function (PolyPhen-2) suggests that this variant is likely to be disruptive. In summary, the available evidence is currently insufficient to determine the role of this variant in disease. Therefore, it has been classified as a Variant of Uncertain Significance.

GeneDx
Classification: Uncertain significance. Last evaluated: 2021-04-12. Review status: criteria provided, single submitter. Criteria: GeneDx Variant Classification Process June 2021. Collection method: clinical testing. Allele origin: germline. Affected: yes.
Comment: Not observed at a significant frequency in large population cohorts (Lek et al., 2016); In silico analysis supports that this missense variant does not alter protein structure/function; Has not been previously published as pathogenic or benign to our knowledge

PreventionGenetics, part of Exact Sciences
Classification: Uncertain significance for SETD5-related condition. Last evaluated: 2024-04-02. Review status: no assertion criteria provided. Collection method: clinical testing. Allele origin: germline. Not counted in ClinVar's aggregate classification.
Comment: The SETD5 c.3499A>G variant is predicted to result in the amino acid substitution p.Met1167Val. To our knowledge, this variant has not been reported in the literature. This variant is reported in 0.0029% of alleles in individuals of Latino descent in gnomAD. At this time, the clinical significance of this variant is uncertain due to the absence of conclusive functional and genetic evidence.

NM_001080517.3(SETD5):c.3499A>G (p.Met1167Val)

Gene: SETD5 (SET domain containing 5; plus strand). Cytogenetic location: 3p25.3.
Variant type: single nucleotide variant.
Coding change: c.3499A>G on transcript NM_001080517.3 (MANE Select); coding-DNA position 3499, A replaced by G.
Protein change: p.Met1167Val; replaces methionine 1167 with valine.
Molecular consequence: missense variant.
Genome position (GRCh38, 1-based): chr3:9,474,450, A>G. VCF-style: chr3-9474450-A-G. GRCh37 (hg19) VCF-style: chr3-9516134-A-G.
Other names: c.3205A>G, p.Met1069Val (NM_001292043.2, NM_001349451.2); c.3499A>G (NM_001080517.2); short protein forms M1069V, M1167V.
Identifiers: ClinVar variation 1314475 (VCV001314475.8), dbSNP rs776920831, ClinGen allele CA2239720.